The following is an entry in ClinVar:

ClinVar aggregate classification (germline): Uncertain significance (1 of 4 stars; one submission).

Conditions:
Neuronopathy, distal hereditary motor, autosomal recessive 5. Also called: Spinal muscular atrophy, distal, autosomal recessive, 5; Young adult-onset distal hereditary motor neuropathy; NEUROPATHY, DISTAL HEREDITARY MOTOR, AUTOSOMAL RECESSIVE 5. Identifiers: Orphanet 314485, Orphanet 443950, MedGen C4749918, MONDO:0013947, OMIM 614881.

Allele frequency attached by ClinVar (database versions not stated): gnomAD exomes below 0.00001; TOPMed below 0.00001.
gnomAD v4.1: 2 of 1,614,158 alleles (0.00012%); highest among the groups gnomAD compares: Non-Finnish European, 0.000085%; no homozygotes.

Submission:

Labcorp Genetics (formerly Invitae), Labcorp
Classification: Uncertain significance for Neuronopathy, distal hereditary motor, autosomal recessive 5. Last evaluated: 2022-01-15. Review status: criteria provided, single submitter. Criteria: Invitae Variant Classification Sherloc (09022015). Collection method: clinical testing. Allele origin: germline.
Comment: This sequence change replaces threonine, which is neutral and polar, with alanine, which is neutral and non-polar, at codon 180 of the DNAJB2 protein (p.Thr180Ala). This variant is present in population databases (no rsID available, gnomAD 0.0009%). This variant has not been reported in the literature in individuals affected with DNAJB2-related conditions. ClinVar contains an entry for this variant (Variation ID: 1036943). Algorithms developed to predict the effect of missense changes on protein structure and function are either unavailable or do not agree on the potential impact of this missense change (SIFT: "Tolerated"; PolyPhen-2: "Possibly Damaging"; Align-GVGD: "Class C0"). In summary, the available evidence is currently insufficient to determine the role of this variant in disease. Therefore, it has been classified as a Variant of Uncertain Significance.

NM_006736.6(DNAJB2):c.538A>G (p.Thr180Ala)

Gene: DNAJB2 (DnaJ heat shock protein family (Hsp40) member B2; plus strand). Cytogenetic location: 2q35.
Variant type: single nucleotide variant.
Coding change: c.538A>G on transcript NM_006736.6 (MANE Select); coding-DNA position 538, A replaced by G.
Protein change: p.Thr180Ala; replaces threonine 180 with alanine.
Molecular consequence: missense variant.
Genome position (GRCh38, 1-based): chr2:219,283,225, A>G. VCF-style: chr2-219283225-A-G. GRCh37 (hg19) VCF-style: chr2-220147947-A-G.
Other names: c.538A>G, p.Thr180Ala (NM_001039550.2); short protein forms T180A.
Identifiers: ClinVar variation 1036943 (VCV001036943.6), dbSNP rs1317732158, ClinGen allele CA350650553.
Genomic context (GRCh38, chr2:219,283,225, plus strand): 5'-GGGGCTGGTGCTTTTCGCTCTGTTTCTACATCTACCACCTTTGTCCAAGGACGCCGCATC[A>G]CCACACGCAGGTGAGAGCTCCTTCTGGGGCCATAGAGGGGTGAGAGGTCTGCTGGGGAGC-3'
Protein context (NP_006727.2, residues 170-190): STTFVQGRRI[Thr180Ala]TRRIMENGQE